The following is an entry in ClinVar:

NM_000321.3(RB1):c.456del (p.Lys153fs)

Gene: RB1 (RB transcriptional corepressor 1; plus strand). Cytogenetic location: 13q14.2.
Variant type: Deletion.
Coding change: c.456del on transcript NM_000321.3 (MANE Select); coding-DNA position 456, one base deleted (G; older notation c.456delG).
Protein change: p.Lys153fs; shifts the reading frame from lysine 153.
Molecular consequence: frameshift variant.
Genome position (GRCh38, 1-based): chr13:48,345,155, G deleted. VCF-style (leftmost placement, unchanged base first): chr13-48345154-TG-T. GRCh37 (hg19) VCF-style: chr13-48919290-TG-T.
Other names: c.456del, p.Lys153fs (NM_001407165.1, NM_001407166.1); short protein forms K153fs.
Identifiers: ClinVar variation 3721289 (VCV003721289.2).
Genomic context (GRCh38, chr13:48,345,154, plus strand): 5'-TTAACTTACTAAAAGAAATTGATACCAGTACCAAAGTTGATAATGCTATGTCAAGACTGT[TG>T]AAGAAGTATGATGTATTGTTTGCACTCTTCAGCAAATTGGAAAGGTAAAGTAAACATTTT-3'

ClinVar aggregate classification (germline): Pathogenic (1 of 4 stars; one submission).

Conditions:
Retinoblastoma (RB1). Also called: RETINOBLASTOMA, SOMATIC. Identifiers: Orphanet 790, MedGen C0035335, MeSH D012175, MONDO:0008380, OMIM 180200, HP:0009919. Disease mechanism: loss of function. Inheritance: Both sporadic and heritable forms are tested..

Submission:

Labcorp Genetics (formerly Invitae), Labcorp
Classification: Pathogenic for Retinoblastoma. Last evaluated: 2024-09-27. Review status: criteria provided, single submitter. Criteria: Invitae Variant Classification Sherloc (09022015). Collection method: clinical testing. Allele origin: germline.
Comment: This sequence change creates a premature translational stop signal (p.Lys153Argfs*22) in the RB1 gene. It is expected to result in an absent or disrupted protein product. Loss-of-function variants in RB1 are known to be pathogenic (PMID: 17096365). This variant is not present in population databases (gnomAD no frequency). This premature translational stop signal has been observed in individual(s) with retinoblastoma (PMID: 17286450). This variant is also known as g.42001delG (p.L152fsX174). For these reasons, this variant has been classified as Pathogenic.

Literature cited by the submitters: PubMed 17096365; PubMed 17286450.